The following is an entry in ClinVar:

ClinVar aggregate classification (germline): Pathogenic/Likely pathogenic. Review status: criteria provided, multiple submitters, no conflicts (2 of 4 stars). 4 submissions from 4 submitters: Pathogenic (2); Likely pathogenic (2). Last evaluated 2025-05-25.

Conditions:
SLC25A1-related disorder. Also called: SLC25A1-related condition.

Allele frequency attached by ClinVar (database versions not stated): TOPMed 0.00001.
gnomAD v4.1: 24 of 1,613,920 alleles (0.0015%); highest among the groups gnomAD compares: Non-Finnish European, 0.0019%; no homozygotes.

Submissions (4):

Labcorp Genetics (formerly Invitae), Labcorp
Classification: Pathogenic. Last evaluated: 2025-05-25. Review status: criteria provided, single submitter. Criteria: Invitae Variant Classification Sherloc (09022015). Collection method: clinical testing. Allele origin: germline.
Comment: This sequence change creates a premature translational stop signal (p.Glu174*) in the SLC25A1 gene. It is expected to result in an absent or disrupted protein product. Loss-of-function variants in SLC25A1 are known to be pathogenic (PMID: 23561848). This variant is not present in population databases (gnomAD no frequency). This variant has not been reported in the literature in individuals affected with SLC25A1-related conditions. ClinVar contains an entry for this variant (Variation ID: 987435). For these reasons, this variant has been classified as Pathogenic.

Blueprint Genetics
Classification: Likely pathogenic for SLC25A1-related disorders. Last evaluated: 2024-02-20. Review status: criteria provided, single submitter. Criteria: ACMG Guidelines, 2015. Collection method: clinical testing. Allele origin: germline. Affected: yes. Observed: 2 variant alleles.

PreventionGenetics, part of Exact Sciences
Classification: Likely pathogenic for SLC25A1-related condition. Last evaluated: 2023-08-11. Review status: criteria provided, single submitter. Criteria: ACMG Guidelines, 2015. Collection method: clinical testing. Allele origin: germline.
Comment: The SLC25A1 c.520G>T variant is predicted to result in premature protein termination (p.Glu174*). To our knowledge, this variant has not been reported in the literature or in a large population database, indicating this variant is rare. Nonsense variants in SLC25A1 are expected to be pathogenic. This variant is interpreted as likely pathogenic.

Institute of Medical Genetics and Applied Genomics, University Hospital Tübingen
Classification: Pathogenic. Last evaluated: 2020-10-23. Review status: criteria provided, single submitter. Criteria: ACMG Guidelines, 2015. Collection method: clinical testing. Allele origin: germline. Inheritance: Autosomal recessive inheritance. Affected: yes.

Literature cited by the submitters: PubMed 23561848 (cited by Labcorp Genetics (formerly Invitae), Labcorp).

NM_005984.5(SLC25A1):c.520G>T (p.Glu174Ter)

Gene: SLC25A1 (solute carrier family 25 member 1; minus strand). Cytogenetic location: 22q11.21.
Variant type: single nucleotide variant.
Coding change: c.520G>T on transcript NM_005984.5 (MANE Select); coding-DNA position 520, G replaced by T.
Protein change: p.Glu174Ter; replaces glutamic acid 174 with a stop codon.
Molecular consequence: nonsense. On other transcripts: non-coding transcript variant (1).
Genome position (GRCh38, 1-based): chr22:19,177,126, C>A on the plus strand (G>T on the coding strand, the complement: SLC25A1 is on the minus strand). VCF-style: chr22-19177126-C-A. GRCh37 (hg19) VCF-style: chr22-19164639-C-A.
Other names: c.520G>T (NM_005984.4); c.541G>T, p.Glu181Ter (NM_001256534.2); c.211G>T, p.Glu71Ter (NM_001287387.2); short protein forms E174*, E181*, E71*.
Identifiers: ClinVar variation 987435 (VCV000987435.5), dbSNP rs139862803, ClinGen allele CA410637608.